The following is an entry in ClinVar:

ClinVar aggregate classification (germline): Pathogenic. Review status: criteria provided, multiple submitters, no conflicts (2 of 4 stars). 2 submissions from 2 submitters: Pathogenic (2). Last evaluated 2023-09-15.

Conditions:
Familial cancer of breast. Also called: BREAST CANCER, FAMILIAL; Hereditary breast cancer; hereditary breast carcinoma. Identifiers: Orphanet 227535, MedGen C0346153, MONDO:0016419, OMIM 114480. Disease mechanism: loss of function.

Submissions (2):

Labcorp Genetics (formerly Invitae), Labcorp
Classification: Pathogenic for Familial cancer of breast. Last evaluated: 2023-09-15. Review status: criteria provided, single submitter. Criteria: Invitae Variant Classification Sherloc (09022015). Collection method: clinical testing. Allele origin: germline.
Comment: For these reasons, this variant has been classified as Pathogenic. ClinVar contains an entry for this variant (Variation ID: 964622). This variant is not present in population databases (gnomAD no frequency). This variant has not been reported in the literature in individuals affected with PALB2-related conditions. This sequence change creates a premature translational stop signal (p.His261Profs*2) in the PALB2 gene. It is expected to result in an absent or disrupted protein product. Loss-of-function variants in PALB2 are known to be pathogenic (PMID: 17200668, 17200671, 17200672, 24136930, 25099575).

Myriad Genetics, Inc.
Classification: Pathogenic for Familial cancer of breast. Last evaluated: 2023-09-05. Review status: criteria provided, single submitter. Criteria: Myriad Autosomal Dominant, Autosomal Recessive and X-Linked Classification Criteria (2023). Collection method: clinical testing. Allele origin: unknown.
Comment: This variant is considered pathogenic. This variant creates a frameshift predicted to result in premature protein truncation.

Literature cited by the submitters: PubMed 17200668 (cited by Labcorp Genetics (formerly Invitae), Labcorp); PubMed 17200671 (cited by Labcorp Genetics (formerly Invitae), Labcorp); PubMed 17200672 (cited by Labcorp Genetics (formerly Invitae), Labcorp); PubMed 24136930 (cited by Labcorp Genetics (formerly Invitae), Labcorp); PubMed 25099575 (cited by Labcorp Genetics (formerly Invitae), Labcorp).

NM_024675.4(PALB2):c.782_783del (p.His261fs)

Gene: PALB2 (partner and localizer of BRCA2; minus strand). Cytogenetic location: 16p12.2.
Variant type: Deletion.
Coding change: c.782_783del on transcript NM_024675.4 (MANE Select); coding-DNA positions 782 to 783, 2 bases deleted (AC; older notation c.782_783delAC).
Protein change: p.His261fs; shifts the reading frame from histidine 261.
Molecular consequence: frameshift variant.
Genome position (GRCh38, 1-based): chr16:23,635,763-23,635,764, GT deleted on the plus strand (AC on the coding strand, the reverse complement: PALB2 is on the minus strand); deleting any 2 consecutive bases within chr16:23,635,763-23,635,765 gives the same sequence; the c. name uses the placement nearest the transcript's 3' end. VCF-style (leftmost placement, unchanged base first): chr16-23635762-GGT-G. GRCh37 (hg19) VCF-style: chr16-23647083-GGT-G.
Other names: short protein forms H261fs.
Identifiers: ClinVar variation 964622 (VCV000964622.9), dbSNP rs1967021173, ClinGen allele CA1139664624.
Genomic context (GRCh38, chr16:23,635,762, plus strand): 5'-TAATGTTTTTTAGGTCGTGAGTAGTAAGTTCACTGCTACCTTTAGGAGGAATGTGTTCAA[GGT>G]GCTGACTACTACCGCTATCTGATAGAGTCTGTAAAGGAACTGTAGTCGCCCTGGTGAAAT-3'